The following is an entry in ClinVar:

NM_024678.6(NARS2):c.823-3T>C

Gene: NARS2 (asparaginyl-tRNA synthetase 2, mitochondrial; minus strand). Cytogenetic location: 11q14.1.
Variant type: single nucleotide variant.
Coding change: c.823-3T>C on transcript NM_024678.6 (MANE Select); 3 bases into the intron before coding-DNA position 823, T replaced by C.
Molecular consequence: intron variant.
Genome position (GRCh38, 1-based): chr11:78,478,686, A>G on the plus strand (T>C on the coding strand, the complement: NARS2 is on the minus strand). VCF-style: chr11-78478686-A-G. GRCh37 (hg19) VCF-style: chr11-78189732-A-G.
Other names: c.142-3T>C (NM_001243251.2).
Identifiers: ClinVar variation 1973746 (VCV001973746.5), dbSNP rs1236527776, ClinGen allele CA680544111.
Genomic context (GRCh38, chr11:78,478,686, plus strand): 5'-CTTCAGGACATTTTGAGAGAACCATCATTGTTGTAGCCTTGAACAGTTCCTCTATAACCT[A>G]AGAGAAATGAAATAGAATCACCTGACACGTAAGCAATTTTACATGAAAAACCTGTTCAGG-3'

ClinVar aggregate classification (germline): Uncertain significance (1 of 4 stars; one submission).

Allele frequency attached by ClinVar (database versions not stated): gnomAD exomes below 0.00001.
gnomAD v4.1: 4 of 1,583,192 alleles (0.00025%); highest among the groups gnomAD compares: Non-Finnish European, 0.00035%; no homozygotes.

Submission:

Labcorp Genetics (formerly Invitae), Labcorp
Classification: Uncertain significance. Last evaluated: 2022-11-12. Review status: criteria provided, single submitter. Criteria: Invitae Variant Classification Sherloc (09022015). Collection method: clinical testing. Allele origin: germline.
Comment: This sequence change falls in intron 7 of the NARS2 gene. It does not directly change the encoded amino acid sequence of the NARS2 protein. It affects a nucleotide within the consensus splice site. This variant is not present in population databases (gnomAD no frequency). This variant has not been reported in the literature in individuals affected with NARS2-related conditions. Variants that disrupt the consensus splice site are a relatively common cause of aberrant splicing (PMID: 17576681, 9536098). Algorithms developed to predict the effect of sequence changes on RNA splicing suggest that this variant is not likely to affect RNA splicing. In summary, the available evidence is currently insufficient to determine the role of this variant in disease. Therefore, it has been classified as a Variant of Uncertain Significance.

Literature cited by the submitters: PubMed 17576681; PubMed 9536098.